The following is an entry in ClinVar:

ClinVar aggregate classification (germline): Pathogenic. Review status: criteria provided, multiple submitters, no conflicts (2 of 4 stars). 3 submissions from 3 submitters: Pathogenic (2). 1 of the submissions does not count toward it. Last evaluated 2025-01-21.

Conditions:
X-linked Alport syndrome (ATS1). Also called: COL4A5-Related Nephropathy; NEPHROPATHY AND DEAFNESS, X-LINKED. Identifiers: Orphanet 63, Orphanet 88917, MedGen C4746986, MONDO:0010520, OMIM 301050.
Focal segmental glomerulosclerosis (FSGS). Also called: Glomerulosclerosis, focal; Focal sclerosis with hyalinosis. Identifiers: MedGen C0017668, MONDO:0100313, HP:0000097. Disease mechanism: loss of function.

Submissions (3):

3billion
Classification: Pathogenic for X-linked Alport syndrome. Last evaluated: 2025-01-21. Review status: criteria provided, single submitter. Criteria: ACMG Guidelines, 2015. Collection method: clinical testing. Allele origin: germline. Affected: yes.
Comment: The variant is not observed in the gnomAD v4.1.0 dataset. Predicted Consequence/Location: Frameshift: predicted to result in a loss or disruption of normal protein function through nonsense-mediated decay (NMD) or protein truncation. Multiple pathogenic variants are reported downstream of the variant. The variant has been reported to be associated with COL4A5-related disorder (ClinVar ID: VCV000844422 /PMID: 28844315). Therefore, this variant is classified as Pathogenic according to the recommendation of ACMG/AMP guideline.

Labcorp Genetics (formerly Invitae), Labcorp
Classification: Pathogenic. Last evaluated: 2022-06-13. Review status: criteria provided, single submitter. Criteria: Invitae Variant Classification Sherloc (09022015). Collection method: clinical testing. Allele origin: germline.
Comment: For these reasons, this variant has been classified as Pathogenic. ClinVar contains an entry for this variant (Variation ID: 844422). This premature translational stop signal has been observed in individual(s) with focal segmental glomerulosclerosis (PMID: 28844315). This variant is not present in population databases (gnomAD no frequency). This sequence change creates a premature translational stop signal (p.Asn607Thrfs*11) in the COL4A5 gene. It is expected to result in an absent or disrupted protein product. Loss-of-function variants in COL4A5 are known to be pathogenic (PMID: 9195222, 10752524, 14514738, 24854265, 26809805).

Sydney Genome Diagnostics, Children's Hospital Westmead
Classification: Pathogenic for Focal segmental glomerulosclerosis. Last evaluated: 2018-10-24. Review status: no assertion criteria provided. Collection method: clinical testing. Allele origin: unknown. Affected: yes. Observed: 1 variant allele, 1 heterozygote. Not counted in ClinVar's aggregate classification.
Comment: This frameshifting variant is predicted to create a premature stop codon (p.Asn607Thrfs*11) and may result in a null allele due to nonsense-mediated mRNA decay. To our knowledge, this variant has not been previously reported in the literature, however other truncating mutations flanking this amino acid have been described in the LOVD database. This variant is considered to be pathogenic.

Literature cited by the submitters: PubMed 28844315 (cited by 3billion and Labcorp Genetics (formerly Invitae), Labcorp); PubMed 9195222 (cited by Labcorp Genetics (formerly Invitae), Labcorp); PubMed 10752524 (cited by Labcorp Genetics (formerly Invitae), Labcorp); PubMed 14514738 (cited by Labcorp Genetics (formerly Invitae), Labcorp); PubMed 24854265 (cited by Labcorp Genetics (formerly Invitae), Labcorp); PubMed 26809805 (cited by Labcorp Genetics (formerly Invitae), Labcorp).

NM_033380.3(COL4A5):c.1815del (p.Asn607fs)

Gene: COL4A5 (collagen type IV alpha 5 chain; plus strand). Cytogenetic location: Xq22.3.
Variant type: Deletion.
Coding change: c.1815del on transcript NM_033380.3 (MANE Select); coding-DNA position 1815, one base deleted (T; older notation c.1815delT).
Protein change: p.Asn607fs; shifts the reading frame from asparagine 607.
Molecular consequence: frameshift variant.
Genome position (GRCh38, 1-based): chrX:108,598,737, T deleted. VCF-style (leftmost placement, unchanged base first): chrX-108598736-CT-C. GRCh37 (hg19) VCF-style: chrX-107841966-CT-C.
Other names: c.1815del, p.Asn607fs (NM_000495.5); short protein forms N607fs.
Identifiers: ClinVar variation 844422 (VCV000844422.13), dbSNP rs2066568818, ClinGen allele CA916083990.
Genomic context (GRCh38, chrX:108,598,736, plus strand): 5'-TCTGTATTAAACTTTTCCCTTTTTAGGGTGGAATTACTTTTAAGGGTGAAAGAGGTCCCC[CT>C]GGGAACCCAGGTTTACCAGGCCTCCCAGGGAATATAGGGCCTATGGGTCCCCCTGGTTTC-3'